The following is an entry in ClinVar:

ClinVar aggregate classification (germline): Pathogenic (1 of 4 stars; one submission).

Conditions:
Nemaline myopathy 2 (NEM2). Also called: Nemaline myopathy 2, autosomal recessive. Identifiers: MedGen C1850569, MONDO:0009725, OMIM 256030.

Submission:

Labcorp Genetics (formerly Invitae), Labcorp
Classification: Pathogenic for Nemaline myopathy 2. Last evaluated: 2019-10-31. Review status: criteria provided, single submitter. Criteria: Invitae Variant Classification Sherloc (09022015). Collection method: clinical testing. Allele origin: germline.
Comment: This variant has not been reported in the literature in individuals with NEB-related conditions. This sequence change creates a premature translational stop signal (p.Glu4245*) in the NEB gene. It is expected to result in an absent or disrupted protein product. Loss-of-function variants in NEB are known to be pathogenic (PMID: 25205138). This variant occurs in a region of NEB (Exons 82-105) consisting of three highly homologous 8-exon repeat units (exons 82-89, exons 90-97, exons 98-105). Sequence variants in this region can be detected, but this assay cannot determine which of the three repeat units is affected, and zygosity is often ambiguous. All variants in this region are reported relative to the exon 82-89 repeat. For these reasons, this variant has been classified as Pathogenic.

Literature cited by the submitters: PubMed 25205138.

NM_001164508.2(NEB):c.12733G>T (p.Glu4245Ter)

Gene: NEB (nebulin; minus strand). Cytogenetic location: 2q23.3.
Variant type: single nucleotide variant.
Coding change: c.12733G>T on transcript NM_001164508.2 (MANE Select); coding-DNA position 12733, G replaced by T.
Protein change: p.Glu4245Ter; replaces glutamic acid 4245 with a stop codon.
Molecular consequence: nonsense. On other transcripts: intron variant (1).
Genome position (GRCh38, 1-based): chr2:151,606,620, C>A on the plus strand (G>T on the coding strand, the complement: NEB is on the minus strand). VCF-style: chr2-151606620-C-A. GRCh37 (hg19) VCF-style: chr2-152463134-C-A.
Other names: c.12733G>T, p.Glu4245Ter (NM_001164507.2, NM_001271208.2); c.11601+3189G>T (NM_004543.5); short protein forms E4245*.
Identifiers: ClinVar variation 959226 (VCV000959226.9), dbSNP rs2097711830, ClinGen allele CA348774261.